The following is an entry in ClinVar:

ClinVar aggregate classification (germline): Uncertain significance (1 of 4 stars; one submission).

gnomAD v4.1: 2 of 1,592,170 alleles (0.00013%); highest among the groups gnomAD compares: Non-Finnish European, 0.000086%; no homozygotes.

Submission:

GeneDx
Classification: Uncertain significance. Last evaluated: 2025-02-13. Review status: criteria provided, single submitter. Criteria: GeneDx Variant Classification Process June 2021. Collection method: clinical testing. Allele origin: germline. Affected: yes.
Comment: Not observed at significant frequency in large population cohorts (gnomAD); In silico analysis supports that this missense variant has a deleterious effect on protein structure/function; Has not been previously published as pathogenic or benign to our knowledge

NM_000260.4(MYO7A):c.6359C>G (p.Thr2120Ser)

Gene: MYO7A (myosin VIIA; plus strand). Cytogenetic location: 11q13.5.
Variant type: single nucleotide variant.
Coding change: c.6359C>G on transcript NM_000260.4 (MANE Select); coding-DNA position 6359, C replaced by G.
Protein change: p.Thr2120Ser; replaces threonine 2120 with serine.
Molecular consequence: missense variant.
Genome position (GRCh38, 1-based): chr11:77,212,956, C>G. VCF-style: chr11-77212956-C-G. GRCh37 (hg19) VCF-style: chr11-76924001-C-G.
Other names: c.6239C>G, p.Thr2080Ser (NM_001127180.2); c.6212C>G, p.Thr2071Ser (NM_001369365.1); short protein forms T2071S, T2080S, T2120S.
Identifiers: ClinVar variation 4075476 (VCV004075476.1).
Genomic context (GRCh38, chr11:77,212,956, plus strand): 5'-CAAATGCTTTTCTTGCTCTGGGCCCCCATCTGATGCCTTCTCATCTTTTTTTCTAGCAAA[C>G]TACGGAGCCAAACTTCCCTGAGATCCTCCTAATTGCCATCAACAAGTATGGGGTCAGCCT-3'
Protein context (NP_000251.3, residues 2110-2130): FGSAFFEVKQ[Thr2120Ser]TEPNFPEILL